The following is an entry in ClinVar:

NM_001127649.3(PEX26):c.886T>C (p.Ser296Pro)

Gene: PEX26 (peroxisomal biogenesis factor 26; plus strand). Cytogenetic location: 22q11.21.
Variant type: single nucleotide variant.
Coding change: c.886T>C on transcript NM_001127649.3 (MANE Select); coding-DNA position 886, T replaced by C.
Protein change: p.Ser296Pro; replaces serine 296 with proline.
Molecular consequence: missense variant.
Genome position (GRCh38, 1-based): chr22:18,088,043, T>C. VCF-style: chr22-18088043-T-C. GRCh37 (hg19) VCF-style: chr22-18570809-T-C.
Other names: c.886T>C (NM_017929.5); c.739T>C, p.Ser247Pro (NM_001199319.2); c.886T>C, p.Ser296Pro (NM_017929.6); short protein forms S296P, S247P.
Identifiers: ClinVar variation 497602 (VCV000497602.10), dbSNP rs143243841, ClinGen allele CA10093442.
Genomic context (GRCh38, chr22:18,088,043, plus strand): 5'-TCCCTGCACTTCCTCTACAAGCTGGCCCAGCTCTTCCGCTGGATCCGGAAGGCTGCATTT[T>C]CTCGCCTCTACCAGCTCCGCATCCGTGACTGAGGGTCCCTGCGCACCACAGCCTCTCTGC-3'
Protein context (NP_001121121.1, residues 286-305): LFRWIRKAAF[Ser296Pro]RLYQLRIRD

ClinVar aggregate classification (germline): Uncertain significance. Review status: criteria provided, multiple submitters, no conflicts (2 of 4 stars). 5 submissions from 5 submitters: Uncertain significance (5). Last evaluated 2026-02-12.

Conditions:
PEX26-related disorder. Also called: PEX26-related condition.
Inborn genetic diseases. Identifiers: MedGen C0950123, MeSH D030342.
Peroxisome biogenesis disorder 7B (PBD7B). Identifiers: Orphanet 44, MedGen C3553951, MONDO:0013939, OMIM 614873.
Peroxisome biogenesis disorder 7A (Zellweger). Also called: Peroxisome biogenesis disorder 7A. Identifiers: Orphanet 912, MedGen C3888385, MONDO:0013938, OMIM 614872.

Allele frequency attached by ClinVar (database versions not stated): gnomAD exomes 0.00001 and 0.00004; ExAC 0.00007; gnomAD 0.00007 and 0.00009; TOPMed 0.00016; ESP Exome Variant Server 0.00038.
gnomAD v4.1: 25 of 1,613,150 alleles (0.0015%); highest among the groups gnomAD compares: African/African-American, 0.033%; no homozygotes.

Submissions (5):

PreventionGenetics, part of Exact Sciences
Classification: Uncertain significance for PEX26-related condition. Last evaluated: 2026-02-12. Review status: criteria provided, single submitter. Criteria: ACMG Guidelines, 2015. Collection method: clinical testing. Allele origin: germline.
Comment: The PEX26 c.886T>C variant is predicted to result in the amino acid substitution p.Ser296Pro. To our knowledge, this variant has not been reported in the literature. This variant is reported in 0.048% of alleles in individuals of African descent in gnomAD. At this time, the clinical significance of this variant is uncertain due to the absence of conclusive functional and genetic evidence.

Ambry Genetics
Classification: Uncertain significance for Inborn genetic diseases. Last evaluated: 2025-04-03. Review status: criteria provided, single submitter. Criteria: Ambry Variant Classification Scheme 2023. Collection method: clinical testing. Allele origin: germline.

Fulgent Genetics
Classification: Uncertain significance for Peroxisome biogenesis disorder 7A (Zellweger); Peroxisome biogenesis disorder 7B. Last evaluated: 2024-01-10. Review status: criteria provided, single submitter. Criteria: ACMG Guidelines, 2015. Collection method: clinical testing. Allele origin: germline.

Labcorp Genetics (formerly Invitae), Labcorp
Classification: Uncertain significance for Peroxisome biogenesis disorder 7A (Zellweger); Peroxisome biogenesis disorder 7B. Last evaluated: 2022-09-16. Review status: criteria provided, single submitter. Criteria: Invitae Variant Classification Sherloc (09022015). Collection method: clinical testing. Allele origin: germline.
Comment: This sequence change replaces serine, which is neutral and polar, with proline, which is neutral and non-polar, at codon 296 of the PEX26 protein (p.Ser296Pro). This variant is present in population databases (rs143243841, gnomAD 0.05%). This variant has not been reported in the literature in individuals affected with PEX26-related conditions. ClinVar contains an entry for this variant (Variation ID: 497602). Algorithms developed to predict the effect of missense changes on protein structure and function output the following: SIFT: "Tolerated"; PolyPhen-2: "Benign"; Align-GVGD: "Class C0". The proline amino acid residue is found in multiple mammalian species, which suggests that this missense change does not adversely affect protein function. In summary, the available evidence is currently insufficient to determine the role of this variant in disease. Therefore, it has been classified as a Variant of Uncertain Significance.

Eurofins Ntd Llc (ga)
Classification: Uncertain significance. Last evaluated: 2016-09-27. Review status: criteria provided, single submitter. Criteria: EGL Classification Definitions 2015. Collection method: clinical testing. Allele origin: germline. Observed: 1 variant allele, 1 heterozygote.